The following is an entry in ClinVar:

NM_001376.5(DYNC1H1):c.288_291del (p.Lys96fs)

Gene: DYNC1H1 (dynein cytoplasmic 1 heavy chain 1; plus strand). Cytogenetic location: 14q32.31.
Variant type: Deletion.
Coding change: c.288_291del on transcript NM_001376.5 (MANE Select); coding-DNA positions 288 to 291, 4 bases deleted (AGAA; older notation c.288_291delAGAA).
Protein change: p.Lys96fs; shifts the reading frame from lysine 96.
Molecular consequence: frameshift variant.
Genome position (GRCh38, 1-based): chr14:101,975,743-101,975,746, AGAA deleted; deleting any 4 consecutive bases within chr14:101,975,741-101,975,746 gives the same sequence; the c. name uses the placement nearest the transcript's 3' end. VCF-style (leftmost placement, unchanged base first): chr14-101975740-AAAAG-A. GRCh37 (hg19) VCF-style: chr14-102442077-AAAAG-A.
Other names: short protein forms K96fs.
Identifiers: ClinVar variation 1698364 (VCV001698364.2), dbSNP rs2141266686, ClinGen allele CA2580088371.

ClinVar aggregate classification (germline): Uncertain significance (1 of 4 stars; one submission).

Submission:

GeneDx
Classification: Uncertain significance. Last evaluated: 2022-01-21. Review status: criteria provided, single submitter. Criteria: GeneDx Variant Classification Process June 2021. Collection method: clinical testing. Allele origin: germline. Affected: yes.
Comment: Frameshift variant predicted to result in protein truncation or nonsense mediated decay in a gene for which loss-of-function is a known mechanism of disease; Not observed at significant frequency in large population cohorts (gnomAD); Has not been previously published as pathogenic or benign to our knowledge